The following is an entry in ClinVar:

ClinVar aggregate classification (germline): Conflicting classifications of pathogenicity. Review status: criteria provided, conflicting classifications (1 of 4 stars). 5 submissions from 5 submitters: Uncertain significance (1); Likely benign (3). 1 of the submissions does not count toward it. Last evaluated 2025-12-23.

Conditions:
UCHL1-related disorder. Also called: UCHL1-related condition.
Parkinson disease 5, autosomal dominant, susceptibility to (PARK5). Also called: Parkinson disease 5, susceptibility to. Identifiers: Orphanet 2828, MedGen C3150899, MONDO:0013340, OMIM 613643.

Allele frequency attached by ClinVar (database versions not stated): gnomAD 0.00077 and 0.00081; TOPMed 0.00080; ESP Exome Variant Server 0.00085; gnomAD exomes 0.00093; ExAC 0.00112.

Submissions (5):

Labcorp Genetics (formerly Invitae), Labcorp
Classification: Likely benign. Last evaluated: 2025-12-23. Review status: criteria provided, single submitter. Criteria: Invitae Variant Classification Sherloc (09022015). Collection method: clinical testing. Allele origin: germline.

Blueprint Genetics
Classification: Likely benign. Last evaluated: 2024-11-25. Review status: criteria provided, single submitter. Criteria: ACMG Guidelines, 2015. Collection method: clinical testing. Allele origin: germline.

Illumina Laboratory Services, Illumina
Classification: Likely benign for Parkinson disease 5, autosomal dominant, susceptibility to. Last evaluated: 2017-04-27. Review status: criteria provided, single submitter. Criteria: ICSL Variant Classification Criteria 13 December 2019. Collection method: clinical testing. Allele origin: germline.
Comment: This variant was observed as part of a predisposition screen in an ostensibly healthy population. A literature search was performed for the gene, cDNA change, and amino acid change (where applicable). No publications were found based on this search. Allele frequency data from public databases allowed determination this variant is unlikely to cause disease. Therefore, this variant is classified as likely benign.

Genomic Diagnostic Laboratory, Division of Genomic Diagnostics, Children's Hospital of Philadelphia
Classification: Uncertain significance. Last evaluated: 2015-10-30. Review status: criteria provided, single submitter. Criteria: DGD Variant Analysis Guidelines. Collection method: clinical testing. Allele origin: unknown.

PreventionGenetics, part of Exact Sciences
Classification: Likely benign for UCHL1-related condition. Last evaluated: 2024-07-29. Review status: no assertion criteria provided. Collection method: clinical testing. Allele origin: germline. Not counted in ClinVar's aggregate classification.
Comment: This variant is classified as likely benign based on ACMG/AMP sequence variant interpretation guidelines (Richards et al. 2015 PMID: 25741868, with internal and published modifications).

NM_004181.5(UCHL1):c.370A>C (p.Met124Leu)

Gene: UCHL1 (ubiquitin C-terminal hydrolase L1; plus strand). Cytogenetic location: 4p13.
Variant type: single nucleotide variant.
Coding change: c.370A>C on transcript NM_004181.5 (MANE Select); coding-DNA position 370, A replaced by C.
Protein change: p.Met124Leu; replaces methionine 124 with leucine.
Molecular consequence: missense variant.
Genome position (GRCh38, 1-based): chr4:41,261,759, A>C. VCF-style: chr4-41261759-A-C. GRCh37 (hg19) VCF-style: chr4-41263776-A-C.
Other names: short protein forms M124L.
Identifiers: ClinVar variation 252624 (VCV000252624.15), dbSNP rs150601238, ClinGen allele CA2899994.